The following is an entry in ClinVar:

ClinVar aggregate classification (germline): Benign. Review status: criteria provided, multiple submitters, no conflicts (2 of 4 stars). 3 submissions from 3 submitters: Benign (3). Last evaluated 2015-06-04.

Conditions:
History of neurodevelopmental disorder. Identifiers: MedGen C2711754.

Allele frequency attached by ClinVar (database versions not stated): 1000 Genomes Project 30x 0.00957; ExAC 0.00449; 1000 Genomes Project 0.00901; gnomAD exomes 0.00120 and 0.00322; gnomAD 0.01082 and 0.01148; ESP Exome Variant Server 0.01704; TOPMed 0.01297.

Submissions (3):

Center for Pediatric Genomic Medicine, Children's Mercy Hospital and Clinics
Classification: Benign. Last evaluated: 2015-06-04. Review status: criteria provided, single submitter. Criteria: ACMG Guidelines, 2015. Collection method: clinical testing. Allele origin: germline.

Ambry Genetics
Classification: Benign for History of neurodevelopmental disorder. Last evaluated: 2013-01-10. Review status: criteria provided, single submitter. Criteria: Ambry Autosomal Dominant and X-Linked criteria (10/2015). Collection method: clinical testing. Allele origin: germline. Observed: 1 variant allele.
Comment: General population or subpopulation frequency is too high to be a pathogenic mutation based on disease/syndrome prevalence and penetrance

Breakthrough Genomics
Classification: Benign. Review status: criteria provided, single submitter. Criteria: ACMG Guidelines, 2015. Collection method: not provided. Allele origin: germline. Inheritance: Unknown mechanism. Affected: yes.

NM_020717.5(SHROOM4):c.3147G>A (p.Met1049Ile)

Gene: SHROOM4 (shroom family member 4; minus strand). Cytogenetic location: Xp11.22.
Variant type: single nucleotide variant.
Coding change: c.3147G>A on transcript NM_020717.5 (MANE Select); coding-DNA position 3147, G replaced by A.
Protein change: p.Met1049Ile; replaces methionine 1049 with isoleucine.
Molecular consequence: missense variant. On other transcripts: non-coding transcript variant (4).
Genome position (GRCh38, 1-based): chrX:50,607,995, C>T on the plus strand (G>A on the coding strand, the complement: SHROOM4 is on the minus strand). VCF-style: chrX-50607995-C-T. GRCh37 (hg19) VCF-style: chrX-50350995-C-T.
Other names: short protein forms M1049I.
Identifiers: ClinVar variation 235507 (VCV000235507.5), dbSNP rs61753876, ClinGen allele CA10416019.
Genomic context (GRCh38, chrX:50,607,995, plus strand): 5'-GCTTTGGGGCGCCAAGCTGATGTGACTCTCTGAGAAGGCACGGCTGCGCAGTGGGTGGGG[C>T]ATGGAGGCAAGGGAGCTCCCCTCCTCATAAACTGAAGTTTCCTCTGATTTTTTCAAAGCA-3'
Protein context (NP_065768.2, residues 1039-1059): VYEEGSSLAS[Met1049Ile]PHPLRSRAFS